The following is an entry in ClinVar:

NM_014363.6(SACS):c.7959A>T (p.Arg2653Ser)

Gene: SACS (sacsin molecular chaperone; minus strand). Cytogenetic location: 13q12.12.
Variant type: single nucleotide variant.
Coding change: c.7959A>T on transcript NM_014363.6 (MANE Select); coding-DNA position 7959, A replaced by T.
Protein change: p.Arg2653Ser; replaces arginine 2653 with serine.
Molecular consequence: missense variant.
Genome position (GRCh38, 1-based): chr13:23,335,917, T>A on the plus strand (A>T on the coding strand, the complement: SACS is on the minus strand). VCF-style: chr13-23335917-T-A. GRCh37 (hg19) VCF-style: chr13-23910056-T-A.
Other names: c.7518A>T, p.Arg2506Ser (NM_001278055.2); short protein forms R2653S, R2506S.
Identifiers: ClinVar variation 3571623 (VCV003571623.1).
Genomic context (GRCh38, chr13:23,335,917, plus strand): 5'-ATCTGCATCCAAATCTCTAAACATGCGTCCGGGACTAATGGATGTGGCCCCTGGTGCATA[T>A]CTGGCATGAGGATCAAAAATACACAGGATGTCATTGCCAGAAATAAAAGATGGGCAGTCT-3'
Protein context (NP_055178.3, residues 2643-2663): DILCIFDPHA[Arg2653Ser]YAPGATSISP

ClinVar aggregate classification (germline): Uncertain significance (1 of 4 stars; one submission).

Submission:

Athena Diagnostics
Classification: Uncertain significance. Last evaluated: 2024-10-25. Review status: criteria provided, single submitter. Criteria: Athena Diagnostics Criteria. Collection method: clinical testing. Allele origin: unknown.
Comment: Available data are insufficient to determine the clinical significance of the variant at this time. This variant has not been reported in large, multi-ethnic general populations. Polyphen and MutationTaster predict this amino acid change may be benign.